The following is an entry in ClinVar:

ClinVar aggregate classification (germline): Pathogenic (1 of 4 stars; one submission).

Conditions:
Kennedy disease (SMAX1). Also called: SPINAL AND BULBAR MUSCULAR ATROPHY, X-LINKED 1; KENNEDY SPINAL AND BULBAR MUSCULAR ATROPHY; Spinal and Bulbar Muscular Atrophy. Identifiers: Orphanet 481, MedGen C1839259, MONDO:0010735, OMIM 313200.
Androgen resistance syndrome (AIS). Also called: ANDROGEN RECEPTOR DEFICIENCY; DIHYDROTESTOSTERONE RECEPTOR DEFICIENCY; TESTICULAR FEMINIZATION SYNDROME; Androgen insensitivity, complete; Androgen insensitivity syndrome due to coactivator deficiency; Androgen insensitivity syndrome. Identifiers: Orphanet 754, Orphanet 99429, MedGen C0039585, MONDO:0019154, OMIM 300068. Disease mechanism: loss of function.

Submission:

Labcorp Genetics (formerly Invitae), Labcorp
Classification: Pathogenic for Kennedy disease; Androgen resistance syndrome. Last evaluated: 2021-10-12. Review status: criteria provided, single submitter. Criteria: Invitae Variant Classification Sherloc (09022015). Collection method: clinical testing. Allele origin: germline.
Comment: This variant is a gross deletion of the genomic region encompassing exon(s) 2-8 of the AR gene. The 5' boundary is likely confined to intron 1. The 3' end of this event is unknown as it extends through the termination codon beyond the assayed region for this gene and may encompass additional genes. While this deletion is not anticipated to lead to nonsense mediated decay, it is expected to alter mRNA translation or result in a truncated protein product. A similar copy number variant has been observed in individuals with clinical features of androgen insensitivity syndrome (PMID: 8990010; Invitae). This variant is also known as deletion of exons B-H. For these reasons, this variant has been classified as Pathogenic.

Literature cited by the submitters: PubMed 8990010.

NC_000023.10:g.(?_66788225)_(67021550_?)del

Gene: AR (androgen receptor; plus strand). Cytogenetic location: Xq12.
Variant type: Deletion.
Identifiers: ClinVar variation 2422188 (VCV002422188.2).